The following is an entry in ClinVar:

ClinVar aggregate classification (germline): Pathogenic (1 of 4 stars; one submission).

Conditions:
Mucopolysaccharidosis, MPS-II (MPS2). Also called: Hunter Syndrome; IDURONATE 2-SULFATASE DEFICIENCY; Mucopolysaccharidosis Type II; Mucopolysaccharidosis type 2; Attenuated MPS (subtype; formerly known as mild MPS II); Severe MPS II. Identifiers: Orphanet 580, Orphanet 79388, MedGen C0026705, MONDO:0010674, OMIM 309900.

Submission:

Laboratory of Diagnosis and Therapy of Lysosomal Disorders, University of Padova
Classification: Pathogenic for Mucopolysaccharidosis, MPS-II. Last evaluated: 2024-06-07. Review status: criteria provided, single submitter. Criteria: ACMG Guidelines, 2015. Collection method: literature only. Allele origin: germline. Affected: yes. Observed: 1 variant allele.
Comment: Null variant (PVS1_Strong), Absent from controls (or at low frequency) in gnomAD database (PM2_Moderate), Patient’s phenotype or family history highly specific for the disease (PP4_Strong)

Classification method: ACMG Guidelines [PMID:25741868] with modifications

Literature cited by the submitters: PubMed 36945845.

NM_000202.8(IDS):c.1283_1284del (p.His428fs)

Gene: IDS (iduronate 2-sulfatase; minus strand). Cytogenetic location: Xq28.
Variant type: Deletion.
Coding change: c.1283_1284del on transcript NM_000202.8 (MANE Select); coding-DNA positions 1283 to 1284, 2 bases deleted (AC; older notation c.1283_1284delAC).
Protein change: p.His428fs; shifts the reading frame from histidine 428.
Molecular consequence: frameshift variant.
Genome position (GRCh38, 1-based): chrX:149,483,115-149,483,116, GT deleted on the plus strand (AC on the coding strand, the reverse complement: IDS is on the minus strand); deleting any 2 consecutive bases within chrX:149,483,115-149,483,117 gives the same sequence; the c. name uses the placement nearest the transcript's 3' end. VCF-style (leftmost placement, unchanged base first): chrX-149483114-CGT-C. GRCh37 (hg19) VCF-style: chrX-148564645-CGT-C.
Other names: c.1013_1014del, p.His338fs (NM_001166550.4); short protein forms H338fs, H428fs.
Identifiers: ClinVar variation 3256015 (VCV003256015.2).